The following is an entry in ClinVar:

NM_001356.5(DDX3X):c.1211C>A (p.Ala404Asp)

Gene: DDX3X (DEAD-box helicase 3 X-linked; plus strand). Cytogenetic location: Xp11.4.
Variant type: single nucleotide variant.
Coding change: c.1211C>A on transcript NM_001356.5 (MANE Select); coding-DNA position 1211, C replaced by A.
Protein change: p.Ala404Asp; replaces alanine 404 with aspartic acid.
Molecular consequence: missense variant. On other transcripts: non-coding transcript variant (1).
Genome position (GRCh38, 1-based): chrX:41,345,444, C>A. VCF-style: chrX-41345444-C-A. GRCh37 (hg19) VCF-style: chrX-41204697-C-A.
Other names: c.653C>A, p.Ala218Asp (NM_001363819.1); c.1211C>A, p.Ala404Asp (NM_001193416.3); c.1163C>A, p.Ala388Asp (NM_001193417.3); short protein forms A218D, A388D, A404D.
Identifiers: ClinVar variation 3343830 (VCV003343830.1).

ClinVar aggregate classification (germline): Likely pathogenic (1 of 4 stars; one submission).

Submission:

GeneDx
Classification: Likely pathogenic. Last evaluated: 2023-05-22. Review status: criteria provided, single submitter. Criteria: GeneDx Variant Classification Process June 2021. Collection method: clinical testing. Allele origin: germline. Affected: yes.
Comment: Not observed at significant frequency in large population cohorts (gnomAD); In silico analysis supports that this missense variant has a deleterious effect on protein structure/function; Has not been previously published as pathogenic or benign to our knowledge